The following is an entry in ClinVar:

NM_177438.3(DICER1):c.5129C>T (p.Ala1710Val)

Gene: DICER1 (dicer 1, ribonuclease III; minus strand). Cytogenetic location: 14q32.13.
Variant type: single nucleotide variant.
Coding change: c.5129C>T on transcript NM_177438.3 (MANE Select); coding-DNA position 5129, C replaced by T.
Protein change: p.Ala1710Val; replaces alanine 1710 with valine.
Molecular consequence: missense variant. On other transcripts: non-coding transcript variant (6).
Genome position (GRCh38, 1-based): chr14:95,094,123, G>A on the plus strand (C>T on the coding strand, the complement: DICER1 is on the minus strand). VCF-style: chr14-95094123-G-A. GRCh37 (hg19) VCF-style: chr14-95560460-G-A.
Other names: c.5129C>T, p.Ala1710Val (NM_001195573.1, NM_001271282.3, NM_001291628.2 and 9 more transcripts); c.4847C>T, p.Ala1616Val (NM_001395686.1); c.4724C>T, p.Ala1575Val (NM_001395687.1, NM_001395688.1, NM_001395689.1 and 1 more transcripts); c.4562C>T, p.Ala1521Val (NM_001395691.1); c.3446C>T, p.Ala1149Val (NM_001395697.1); short protein forms A1149V, A1616V, A1575V, A1710V, A1521V.
Identifiers: ClinVar variation 2009033 (VCV002009033.6), dbSNP rs2139815739, ClinGen allele CA390865383.
Genomic context (GRCh38, chr14:95,094,123, plus strand): 5'-CCCGGGGAGTGCTGCCGCGGGTCTTCATAAAGGTGCTTGGTTATGAGGTAGTCCAAAATC[G>A]CATCTCCCAGGAATTCTAAGCGCTGGTAACAATCTGAGGGGATCCGAAGTGGAACCGTAA-3'
Protein context (NP_803187.1, residues 1700-1720): CYQRLEFLGD[Ala1710Val]ILDYLITKHL

ClinVar aggregate classification (germline): Uncertain significance. Review status: criteria provided, multiple submitters, no conflicts (2 of 4 stars). 2 submissions from 2 submitters: Uncertain significance (2). Last evaluated 2024-08-05.

Conditions:
DICER1-related tumor predisposition. Also called: DICER1 syndrome; DICER1-related pleuropulmonary blastoma cancer predisposition syndrome. Identifiers: Orphanet 284343, MedGen C3839822, MONDO:0100216.
Hereditary cancer-predisposing syndrome. Also called: Neoplastic Syndromes, Hereditary; Hereditary neoplastic syndrome; Tumor predisposition; Hereditary Cancer Syndrome. Identifiers: Orphanet 140162, MedGen C0027672, MeSH D009386, MONDO:0015356.

Submissions (2):

Labcorp Genetics (formerly Invitae), Labcorp
Classification: Uncertain significance for DICER1-related tumor predisposition. Last evaluated: 2024-08-05. Review status: criteria provided, single submitter. Criteria: Invitae Variant Classification Sherloc (09022015). Collection method: clinical testing. Allele origin: germline.
Comment: This sequence change replaces alanine, which is neutral and non-polar, with valine, which is neutral and non-polar, at codon 1710 of the DICER1 protein (p.Ala1710Val). This variant is not present in population databases (gnomAD no frequency). This variant has not been reported in the literature in individuals affected with DICER1-related conditions. ClinVar contains an entry for this variant (Variation ID: 2009033). Advanced modeling of protein sequence and biophysical properties (such as structural, functional, and spatial information, amino acid conservation, physicochemical variation, residue mobility, and thermodynamic stability) performed at Invitae indicates that this missense variant is expected to disrupt DICER1 protein function with a positive predictive value of 80%. In summary, the available evidence is currently insufficient to determine the role of this variant in disease. Therefore, it has been classified as a Variant of Uncertain Significance.

Ambry Genetics
Classification: Uncertain significance for Hereditary cancer-predisposing syndrome. Last evaluated: 2023-04-08. Review status: criteria provided, single submitter. Criteria: Ambry Variant Classification Scheme 2023. Collection method: clinical testing. Allele origin: germline.
Comment: The p.A1710V variant (also known as c.5129C>T), located in coding exon 23 of the DICER1 gene, results from a C to T substitution at nucleotide position 5129. The alanine at codon 1710 is replaced by valine, an amino acid with similar properties. This amino acid position is conserved. In addition, this alteration is predicted to be deleterious by in silico analysis. Since supporting evidence is limited at this time, the clinical significance of this alteration remains unclear.